The following is an entry in ClinVar:

ClinVar aggregate classification (germline): Benign (1 of 4 stars; one submission).

Conditions:
Familial adenomatous polyposis 1 (FAP1). Also called: POLYPOSIS, ADENOMATOUS INTESTINAL; FAMILIAL ADENOMATOUS POLYPOSIS 1, ATTENUATED. Identifiers: MedGen C2713442, MONDO:0021056, OMIM 175100. Disease mechanism: loss of function.

Submission:

Myriad Genetics, Inc.
Classification: Benign for Familial adenomatous polyposis 1. Last evaluated: 2024-03-18. Review status: criteria provided, single submitter. Criteria: Myriad Autosomal Dominant, Autosomal Recessive and X-Linked Classification Criteria (2023). Collection method: clinical testing. Allele origin: unknown.
Comment: This variant is considered benign. This variant is a silent/synonymous amino acid change and it is not expected to impact splicing.

NM_000038.6(APC):c.3354T>C (p.Asn1118=)

Gene: APC (APC regulator of Wnt signaling pathway; plus strand). Cytogenetic location: 5q22.2.
Variant type: single nucleotide variant.
Coding change: c.3354T>C on transcript NM_000038.6 (MANE Select); coding-DNA position 3354, T replaced by C.
Protein change: p.Asn1118=; no amino-acid change (asparagine 1118 retained).
Molecular consequence: synonymous variant. On other transcripts: non-coding transcript variant (2).
Genome position (GRCh38, 1-based): chr5:112,838,948, T>C. VCF-style: chr5-112838948-T-C. GRCh37 (hg19) VCF-style: chr5-112174645-T-C.
Other names: c.3354T>C, p.Asn1118= (NM_001127510.3, NM_001354895.2, NM_001407450.1); c.3300T>C, p.Asn1100= (NM_001127511.3); c.3408T>C, p.Asn1136= (NM_001354896.2, NM_001407447.1, NM_001407448.1 and 1 more transcripts); c.3384T>C, p.Asn1128= (NM_001354897.2); c.3279T>C, p.Asn1093= (NM_001354898.2); c.3270T>C, p.Asn1090= (NM_001354899.2); c.3231T>C, p.Asn1077= (NM_001354900.2); c.3177T>C, p.Asn1059= (NM_001354901.2, NM_001407453.1); and 11 more.
Identifiers: ClinVar variation 3148456 (VCV003148456.1), dbSNP rs2149890216, ClinGen allele CA445963660.